The following is an entry in ClinVar:

NM_001323289.2(CDKL5):c.2027A>G (p.His676Arg)

Gene: CDKL5 (cyclin dependent kinase like 5; plus strand). Cytogenetic location: Xp22.13.
Variant type: single nucleotide variant.
Coding change: c.2027A>G on transcript NM_001323289.2 (MANE Select); coding-DNA position 2027, A replaced by G.
Protein change: p.His676Arg; replaces histidine 676 with arginine.
Molecular consequence: missense variant.
Genome position (GRCh38, 1-based): chrX:18,608,893, A>G. VCF-style: chrX-18608893-A-G. GRCh37 (hg19) VCF-style: chrX-18627013-A-G.
Other names: c.2027A>G, p.His676Arg (NM_001037343.2, NM_003159.3); short protein forms H676R.
Identifiers: ClinVar variation 3758729 (VCV003758729.2).
Genomic context (GRCh38, chrX:18,608,893, plus strand): 5'-AGATGACTGTGGCAAGATCTTCGGTCAAAGAGACCTCCAGAGAAGGCACCTCTTCCTTCC[A>G]TACACGCCAGAAGTCTGAGGTATGTCACAATAAAATATGCCTGTAAACATTTGTTCAACA-3'
Protein context (NP_001310218.1, residues 666-686): ETSREGTSSF[His676Arg]TRQKSEGGVY

ClinVar aggregate classification (germline): Uncertain significance (1 of 4 stars; one submission).

Conditions:
Developmental and epileptic encephalopathy, 2 (DEE2). Also called: CDKL5 deficiency disorder; INFANTILE SPASM SYNDROME, X-LINKED 2. Identifiers: Orphanet 1934, Orphanet 3451, Orphanet 505652, MedGen C4750718, MONDO:0010396, OMIM 300672.
Angelman syndrome-like. Identifiers: MedGen CN128785.

gnomAD v4.1: 2 of 1,190,563 alleles (0.00017%); highest among the groups gnomAD compares: Non-Finnish European, 0.00023%; no homozygotes.

Submission:

Labcorp Genetics (formerly Invitae), Labcorp
Classification: Uncertain significance for Developmental and epileptic encephalopathy, 2; Angelman syndrome-like. Last evaluated: 2024-05-05. Review status: criteria provided, single submitter. Criteria: Invitae Variant Classification Sherloc (09022015). Collection method: clinical testing. Allele origin: germline.
Comment: This sequence change replaces histidine, which is basic and polar, with arginine, which is basic and polar, at codon 676 of the CDKL5 protein (p.His676Arg). This variant is not present in population databases (gnomAD no frequency). This variant has not been reported in the literature in individuals affected with CDKL5-related conditions. Advanced modeling of protein sequence and biophysical properties (such as structural, functional, and spatial information, amino acid conservation, physicochemical variation, residue mobility, and thermodynamic stability) performed at Invitae indicates that this missense variant is not expected to disrupt CDKL5 protein function with a negative predictive value of 95%. In summary, the available evidence is currently insufficient to determine the role of this variant in disease. Therefore, it has been classified as a Variant of Uncertain Significance.